The following is an entry in ClinVar:

ClinVar aggregate classification (germline): Conflicting classifications of pathogenicity. Review status: criteria provided, conflicting classifications (1 of 4 stars). 2 submissions from 2 submitters: Uncertain significance (1); Likely benign (1). Last evaluated 2025-09-09.

Conditions:
Familial adenomatous polyposis 2. Also called: COLORECTAL ADENOMATOUS POLYPOSIS, AUTOSOMAL RECESSIVE; ADENOMAS, MULTIPLE COLORECTAL, AUTOSOMAL RECESSIVE; MYH-associated polyposis; MUTYH-associated polyposis; MUTYH-related attenuated familial adenomatous polyposis; FAP type 2. Identifiers: Orphanet 220460, Orphanet 247798, MedGen C3272841, MONDO:0012041, OMIM 608456.
Hereditary cancer-predisposing syndrome. Also called: Tumor predisposition; Neoplastic Syndromes, Hereditary; Hereditary Cancer Syndrome; Hereditary neoplastic syndrome. Identifiers: Orphanet 140162, MedGen C0027672, MeSH D009386, MONDO:0015356.

gnomAD v4.1: 2 of 1,614,196 alleles (0.00012%); highest among the groups gnomAD compares: Non-Finnish European, 0.00017%; no homozygotes.

Submissions (2):

Ambry Genetics
Classification: Likely benign for Hereditary cancer-predisposing syndrome. Last evaluated: 2025-09-09. Review status: criteria provided, single submitter. Criteria: Ambry Variant Classification Scheme 2023. Collection method: clinical testing. Allele origin: germline.

Labcorp Genetics (formerly Invitae), Labcorp
Classification: Uncertain significance for Familial adenomatous polyposis 2. Last evaluated: 2025-07-25. Review status: criteria provided, single submitter. Criteria: Invitae Variant Classification Sherloc (09022015). Collection method: clinical testing. Allele origin: germline.
Comment: This sequence change replaces aspartic acid, which is acidic and polar, with glycine, which is neutral and non-polar, at codon 530 of the MUTYH protein (p.Asp530Gly). This variant is not present in population databases (gnomAD no frequency). This variant has not been reported in the literature in individuals affected with MUTYH-related conditions. An algorithm developed to predict the effect of missense changes on protein structure and function (PolyPhen-2) suggests that this variant is likely to be tolerated. Algorithms developed to predict the effect of sequence changes on RNA splicing suggest that this variant may create or strengthen a splice site. In summary, the available evidence is currently insufficient to determine the role of this variant in disease. Therefore, it has been classified as a Variant of Uncertain Significance.

NM_001048174.2(MUTYH):c.1505A>G (p.Asp502Gly)

Gene: MUTYH (mutY DNA glycosylase; minus strand). Cytogenetic location: 1p34.1.
Variant type: single nucleotide variant.
Coding change: c.1505A>G on transcript NM_001048174.2 (MANE Select); coding-DNA position 1505, A replaced by G.
Protein change: p.Asp502Gly; replaces aspartic acid 502 with glycine.
Molecular consequence: missense variant. On other transcripts: non-coding transcript variant (7).
Genome position (GRCh38, 1-based): chr1:45,329,367, T>C on the plus strand (A>G on the coding strand, the complement: MUTYH is on the minus strand). VCF-style: chr1-45329367-T-C. GRCh37 (hg19) VCF-style: chr1-45795039-T-C.
Other names: c.1505A>G, p.Asp502Gly (NM_001048171.2, NM_001048173.2, NM_001293195.2 and 6 more transcripts); c.1508A>G, p.Asp503Gly (NM_001048172.2, NM_001407086.1, NM_001407071.1 and 1 more transcripts); c.1589A>G, p.Asp530Gly (NM_001128425.2); c.1550A>G, p.Asp517Gly (NM_001293190.2); c.1538A>G, p.Asp513Gly (NM_001293191.2, NM_001407069.1, NM_001407077.1); c.1229A>G, p.Asp410Gly (NM_001293192.2, NM_001293196.2, NM_001407091.1); c.1160A>G, p.Asp387Gly (NM_001350650.2, NM_001350651.2, NM_001407082.1); c.1547A>G, p.Asp516Gly (NM_001407083.1, NM_001407085.1); and 5 more; short protein forms D387G, D410G, D474G, D513G, D516G, D527G, D489G, D502G.
Identifiers: ClinVar variation 4112890 (VCV004112890.2).
Genomic context (GRCh38, chr1:45,329,367, plus strand): 5'-CACTGGGCTGCACTGTTGAGGCTGTGTGCATCAGTGGAGATGTGAGACCGAAAGAAATTA[T>C]CCAGGACTTGCTGGCCCATGCGGGGCTTTTTCCGACTGCACGGAGAGGACACCTGGGACC-3'
Protein context (NP_001041639.1, residues 492-512): KKPRMGQQVL[Asp502Gly]NFFRSHISTD